The following is an entry in ClinVar:

NM_020778.5(ALPK3):c.1348G>A (p.Ala450Thr)

Gene: ALPK3 (alpha kinase 3; plus strand). Cytogenetic location: 15q25.3.
Variant type: single nucleotide variant.
Coding change: c.1348G>A on transcript NM_020778.5 (MANE Select); coding-DNA position 1348, G replaced by A.
Protein change: p.Ala450Thr; replaces alanine 450 with threonine.
Molecular consequence: missense variant.
Genome position (GRCh38, 1-based): chr15:84,840,627, G>A. VCF-style: chr15-84840627-G-A. GRCh37 (hg19) VCF-style: chr15-85383858-G-A.
Other names: c.1954G>A (NM_020778.4); short protein forms A450T.
Identifiers: ClinVar variation 2002635 (VCV002002635.5), dbSNP rs2505706479, ClinGen allele CA393375440.

ClinVar aggregate classification (germline): Uncertain significance. Review status: criteria provided, multiple submitters, no conflicts (2 of 4 stars). 2 submissions from 2 submitters: Uncertain significance (2). Last evaluated 2025-03-22.

Conditions:
Cardiovascular phenotype. Identifiers: MedGen CN230736.

Submissions (2):

Ambry Genetics
Classification: Uncertain significance for Cardiovascular phenotype. Last evaluated: 2025-03-22. Review status: criteria provided, single submitter. Criteria: Ambry Variant Classification Scheme 2023. Collection method: clinical testing. Allele origin: germline.

Labcorp Genetics (formerly Invitae), Labcorp
Classification: Uncertain significance. Last evaluated: 2023-12-18. Review status: criteria provided, single submitter. Criteria: Invitae Variant Classification Sherloc (09022015). Collection method: clinical testing. Allele origin: germline.
Comment: This sequence change replaces alanine, which is neutral and non-polar, with threonine, which is neutral and polar, at codon 652 of the ALPK3 protein (p.Ala652Thr). This variant is not present in population databases (gnomAD no frequency). This variant has not been reported in the literature in individuals affected with ALPK3-related conditions. ClinVar contains an entry for this variant (Variation ID: 2002635). Algorithms developed to predict the effect of missense changes on protein structure and function output the following: SIFT: "Not Available"; PolyPhen-2: "Benign"; Align-GVGD: "Not Available". The threonine amino acid residue is found in multiple mammalian species, which suggests that this missense change does not adversely affect protein function. In summary, the available evidence is currently insufficient to determine the role of this variant in disease. Therefore, it has been classified as a Variant of Uncertain Significance.